The following is an entry in ClinVar:

ClinVar aggregate classification (germline): Uncertain significance (1 of 4 stars; one submission).

Conditions:
Inborn genetic diseases. Identifiers: MedGen C0950123, MeSH D030342.

Allele frequency attached by ClinVar (database versions not stated): TOPMed below 0.00001; gnomAD 0.00001.
gnomAD v4.1: 3 of 1,507,962 alleles (0.0002%); highest among the groups gnomAD compares: Admixed American, 0.0021%; no homozygotes.

Submission:

Ambry Genetics
Classification: Uncertain significance for Inborn genetic diseases. Last evaluated: 2016-10-20. Review status: criteria provided, single submitter. Criteria: Ambry Variant Classification Scheme 2023. Collection method: clinical testing. Allele origin: germline.
Comment: The p.P965H variant (also known as c.2894C>A), located in coding exon 19 of the CACNA1A gene, results from a C to A substitution at nucleotide position 2894. The proline at codon 965 is replaced by histidine, an amino acid with similar properties. This variant was not reported in population based cohorts in the following databases: Database of Single Nucleotide Polymorphisms (dbSNP), NHLBI Exome Sequencing Project (ESP), and 1000 Genomes Project. In the ESP, this variant was not observed in 3203 samples (6406 alleles) with coverage at this position. This amino acid position is not well conserved in available vertebrate species. In addition, the in silico prediction for this alteration is inconclusive. Since supporting evidence is limited at this time, the clinical significance of this alteration remains unclear.

NM_001127222.2(CACNA1A):c.2891C>A (p.Pro964His)

Gene: CACNA1A (calcium voltage-gated channel subunit alpha1 A; minus strand). Cytogenetic location: 19p13.13.
Variant type: single nucleotide variant.
Coding change: c.2891C>A on transcript NM_001127222.2 (MANE Select); coding-DNA position 2891, C replaced by A.
Protein change: p.Pro964His; replaces proline 964 with histidine.
Molecular consequence: missense variant.
Genome position (GRCh38, 1-based): chr19:13,298,742, G>T on the plus strand (C>A on the coding strand, the complement: CACNA1A is on the minus strand). VCF-style: chr19-13298742-G-T. GRCh37 (hg19) VCF-style: chr19-13409556-G-T.
Other names: c.2903C>A, p.Pro968His (NM_000068.4, NM_023035.3); c.2894C>A, p.Pro965His (NM_001127221.2, NM_001174080.2); short protein forms P965H, P964H, P968H.
Identifiers: ClinVar variation 589954 (VCV000589954.5), dbSNP rs1161926847, ClinGen allele CA404342509.